The following is an entry in ClinVar:

NM_000521.4(HEXB):c.1305_1306del (p.Arg435fs)

Gene: HEXB (hexosaminidase subunit beta; plus strand). Cytogenetic location: 5q13.3.
Variant type: Microsatellite.
Coding change: c.1305_1306del on transcript NM_000521.4 (MANE Select); coding-DNA positions 1305 to 1306, 2 bases deleted (AG; older notation c.1305_1306delAG).
Protein change: p.Arg435fs; shifts the reading frame from arginine 435.
Molecular consequence: frameshift variant.
Genome position (GRCh38, 1-based): chr5:74,718,859-74,718,860, AG deleted; deleting any 2 consecutive bases within chr5:74,718,857-74,718,860 gives the same sequence; the c. name uses the placement nearest the transcript's 3' end. VCF-style (leftmost placement, unchanged base first): chr5-74718856-TAG-T. GRCh37 (hg19) VCF-style: chr5-74014681-TAG-T.
Other names: c.630_631del, p.Arg210fs (NM_001292004.2); short protein forms R210fs, R435fs.
Identifiers: ClinVar variation 554177 (VCV000554177.12), dbSNP rs779328596, ClinGen allele CA120907932.
Genomic context (GRCh38, chr5:74,718,856, plus strand): 5'-GCTTGCGCCGGGCACAATAGTTGAAGTATGGAAAGACAGCGCATATCCTGAGGAACTCAG[TAG>T]AGTCACAGCATCTGGCTTCCCTGTAATCCTTTCTGCTCCTTGGTACTTAGATTTGATTAG-3'

ClinVar aggregate classification (germline): Pathogenic/Likely pathogenic. Review status: criteria provided, multiple submitters, no conflicts (2 of 4 stars). 4 submissions from 4 submitters: Pathogenic (2); Likely pathogenic (1). 1 of the submissions does not count toward it. Last evaluated 2025-07-30.

Conditions:
Sandhoff disease. Also called: GM2-GANGLIOSIDOSIS, TYPE II; HEXOSAMINIDASES A AND B DEFICIENCY; Beta-hexosaminidase-beta-subunit deficiency; GM2 gangliosidosis, type 2; Total hexosaminidase deficiency; Sandhoff-Jatzkewitz-Pilz disease. Identifiers: Orphanet 796, MedGen C0036161, MONDO:0010006, OMIM 268800.

Submissions (4):

Labcorp Genetics (formerly Invitae), Labcorp
Classification: Pathogenic for Sandhoff disease. Last evaluated: 2025-07-30. Review status: criteria provided, single submitter. Criteria: Invitae Variant Classification Sherloc (09022015). Collection method: clinical testing. Allele origin: germline.
Comment: This sequence change creates a premature translational stop signal (p.Arg435Serfs*20) in the HEXB gene. It is expected to result in an absent or disrupted protein product. Loss-of-function variants in HEXB are known to be pathogenic (PMID: 7550345, 18758829). This variant is not present in population databases (gnomAD no frequency). This premature translational stop signal has been observed in individual(s) with clinical features Sandhoff disease (PMID: 1532910, 22789865). This variant is also known as c.1303_1304del. Algorithms developed to predict the effect of sequence changes on RNA splicing suggest that this variant may disrupt the consensus splice site. For these reasons, this variant has been classified as Pathogenic.

Fulgent Genetics
Classification: Pathogenic for Sandhoff disease. Last evaluated: 2021-07-26. Review status: criteria provided, single submitter. Criteria: ACMG Guidelines, 2015. Collection method: clinical testing. Allele origin: unknown.

Women's Health and Genetics/Laboratory Corporation of America, LabCorp
Classification: Likely pathogenic for Sandhoff disease. Last evaluated: 2020-01-29. Review status: criteria provided, single submitter. Criteria: LabCorp Variant Classification Summary - May 2015. Collection method: clinical testing. Allele origin: germline.
Comment: Variant summary: HEXB c.1305_1306delAG (p.Arg435SerfsX20) results in a premature termination codon, predicted to cause a truncation of the encoded protein or absence of the protein due to nonsense mediated decay, which are commonly known mechanisms for disease. The variant was absent in 251422 control chromosomes (gnomAD). c.1305_1306delAG has been reported in the literature in individuals affected with Sandhoff Disease (e.g. McInnes_1992, Gort_2012). These data indicate that the variant may be associated with disease. At least one publication reports experimental evidence that the variant impacts protein function, as beta-hexosaminidase activity levels were measured to be 15% that of wild-type controls in patient fibroblasts from an individual homozygous for the variant (Gort_2012). One ClinVar submitter (evaluation after 2014) cited the variant as likely pathogenic. Based on the evidence outlined above, the variant was classified as likely pathogenic.

Counsyl
Classification: Likely pathogenic for Sandhoff disease. Last evaluated: 2017-09-28. Review status: no assertion criteria provided. Collection method: clinical testing. Allele origin: unknown. Not counted in ClinVar's aggregate classification.

Literature cited by the submitters: PubMed 7550345 (cited by Labcorp Genetics (formerly Invitae), Labcorp); PubMed 18758829 (cited by Labcorp Genetics (formerly Invitae), Labcorp); PubMed 1532910 (cited by 3 submitters); PubMed 22789865 (cited by Labcorp Genetics (formerly Invitae), Labcorp and Women's Health and Genetics/Laboratory Corporation of America, LabCorp); PubMed 29448188 (cited by Women's Health and Genetics/Laboratory Corporation of America, LabCorp); PubMed 8162015 (cited by Counsyl).